The following is an entry in ClinVar:

NM_003470.3(USP7):c.3068G>A (p.Arg1023Gln)

Gene: USP7 (ubiquitin specific peptidase 7; minus strand). Cytogenetic location: 16p13.2.
Variant type: single nucleotide variant.
Coding change: c.3068G>A on transcript NM_003470.3 (MANE Select); coding-DNA position 3068, G replaced by A.
Protein change: p.Arg1023Gln; replaces arginine 1023 with glutamine.
Molecular consequence: missense variant. On other transcripts: non-coding transcript variant (1).
Genome position (GRCh38, 1-based): chr16:8,894,827, C>T on the plus strand (G>A on the coding strand, the complement: USP7 is on the minus strand). VCF-style: chr16-8894827-C-T. GRCh37 (hg19) VCF-style: chr16-8988684-C-T.
Other names: c.3020G>A, p.Arg1007Gln (NM_001286457.2); c.2771G>A, p.Arg924Gln (NM_001286458.2); c.2894G>A, p.Arg965Gln (NM_001321858.2); short protein forms R1007Q, R1023Q, R924Q, R965Q.
Identifiers: ClinVar variation 3239572 (VCV003239572.19), dbSNP rs2549212957.

ClinVar aggregate classification (germline): Uncertain significance (1 of 4 stars; one submission).

Submission:

CeGaT Center for Human Genetics Tuebingen
Classification: Uncertain significance. Last evaluated: 2024-05-01. Review status: criteria provided, single submitter. Criteria: CeGaT Center For Human Genetics Tuebingen Variant Classification Criteria Version 2. Collection method: clinical testing. Allele origin: germline. Affected: yes. Observed: 1 variant allele.
Comment: USP7: PM2